The following is an entry in ClinVar:

ClinVar aggregate classification (germline): Likely benign. Review status: criteria provided, multiple submitters, no conflicts (2 of 4 stars). 6 submissions from 6 submitters: Likely benign (6). Last evaluated 2026-01-05.

Conditions:
Cardiomyopathy (CMYO). Also called: Cardiomyopathies. Identifiers: Orphanet 167848, MedGen C0878544, MONDO:0004994, HP:0001638. Inheritance: Various modes of inheritance.
Hypertrophic cardiomyopathy. Also called: HYPERTROPHIC MYOCARDIOPATHY. Identifiers: Orphanet 217569, MedGen C0007194, MeSH D002312, MONDO:0005045, HP:0001639.
Cardiovascular phenotype. Identifiers: MedGen CN230736.

Allele frequency attached by ClinVar (database versions not stated): 1000 Genomes Project 30x 0.00016; 1000 Genomes Project 0.00020.
gnomAD v4.1: 16 of 1,612,588 alleles (0.00099%); highest among the groups gnomAD compares: Middle Eastern, 0.021%; no homozygotes.

Submissions (6):

Labcorp Genetics (formerly Invitae), Labcorp
Classification: Likely benign for Hypertrophic cardiomyopathy. Last evaluated: 2026-01-05. Review status: criteria provided, single submitter. Criteria: Invitae Variant Classification Sherloc (09022015). Collection method: clinical testing. Allele origin: germline.

Blueprint Genetics
Classification: Likely benign. Last evaluated: 2024-11-25. Review status: criteria provided, single submitter. Criteria: ACMG Guidelines, 2015. Collection method: clinical testing. Allele origin: germline.

All of Us Research Program, National Institutes of Health
Classification: Likely benign for Cardiomyopathy. Last evaluated: 2023-12-18. Review status: criteria provided, single submitter. Criteria: ACMG Guidelines, 2015. Collection method: clinical testing. Allele origin: germline. Inheritance: Autosomal dominant inheritance. Observed: 5 variant alleles, 5 heterozygotes.
Comment: This study involves interpretation of variants in research participants for the purpose of population health screening. Participant phenotype was not available at the time of variant classification. Additional details can be found in publication PMID: 35346344, PMCID: PMC8962531

Ambry Genetics
Classification: Likely benign for Cardiovascular phenotype. Last evaluated: 2023-07-21. Review status: criteria provided, single submitter. Criteria: Ambry Variant Classification Scheme 2023. Collection method: clinical testing. Allele origin: germline.

Color Diagnostics, LLC DBA Color Health
Classification: Likely benign for Cardiomyopathy. Last evaluated: 2020-03-03. Review status: criteria provided, single submitter. Criteria: ACMG Guidelines, 2015. Collection method: clinical testing. Allele origin: germline.

GeneDx
Classification: Likely benign. Last evaluated: 2019-03-12. Review status: criteria provided, single submitter. Criteria: GeneDx Variant Classification Process June 2021. Collection method: clinical testing. Allele origin: germline. Affected: yes.

NM_000257.4(MYH7):c.4275C>A (p.Ile1425=)

Genes: MHRT (myosin heavy chain associated RNA transcript; plus strand), MYH7 (myosin heavy chain 7; minus strand). Cytogenetic location: 14q11.2.
Variant type: single nucleotide variant.
Coding change: c.4275C>A on transcript NM_000257.4 (MANE Select); coding-DNA position 4275, C replaced by A.
Protein change: p.Ile1425=; no amino-acid change (isoleucine 1425 retained).
Molecular consequence: synonymous variant. On other transcripts: non-coding transcript variant (1).
Genome position (GRCh38, 1-based): chr14:23,417,581, G>T on the plus strand (C>A on the coding strand, the complement: MYH7 is on the minus strand). VCF-style: chr14-23417581-G-T. GRCh37 (hg19) VCF-style: chr14-23886790-G-T.
Other names: c.4275C>A (LRG_384t1).
Identifiers: ClinVar variation 379046 (VCV000379046.17), dbSNP rs57680382, ClinGen allele CA041432.
Genomic context (GRCh38, chr14:23,417,581, plus strand): 5'-CTTCTTGTCCAGGGCTGCAGCAGCAGCATTGGAGCGCTCTACGTCCACCATCAAGTCCTC[G>T]ATCTCATTCTGTAGCCGGTGCTTGGTCTTCTCCAGCGAGGAGCACTTGGCATTAACAGCC-3'
Protein context (NP_000248.2, residues 1415-1435): EKTKHRLQNE[Ile1425=]EDLMVDVERS